The following is an entry in ClinVar:

NC_000004.11:g.(?_186423442)_(186456594_?)del

Gene: PDLIM3 (PDZ and LIM domain 3; minus strand). Cytogenetic location: 4q35.1.
Variant type: Deletion.
Identifiers: ClinVar variation 1007968 (VCV001007968.1).

ClinVar aggregate classification (germline): Uncertain significance (1 of 4 stars; one submission).

Conditions:
Primary dilated cardiomyopathy (DCM). Also called: Dilated Cardiomyopathy. Identifiers: Orphanet 217604, MedGen C0007193, MeSH D002311, MONDO:0005021, HP:0001644. Inheritance: Various modes of inheritance.
Hypertrophic cardiomyopathy. Also called: HYPERTROPHIC MYOCARDIOPATHY. Identifiers: Orphanet 217569, MedGen C0007194, MeSH D002312, MONDO:0005045, HP:0001639.

Submission:

Labcorp Genetics (formerly Invitae), Labcorp
Classification: Uncertain significance for Hypertrophic cardiomyopathy; Primary dilated cardiomyopathy. Last evaluated: 2020-07-08. Review status: criteria provided, single submitter. Criteria: Invitae Variant Classification Sherloc (09022015). Collection method: clinical testing. Allele origin: germline.
Comment: A gross deletion of the genomic region encompassing the full coding sequence of the PDLIM3 gene has been identified. The boundaries of this event are unknown as the deletion extends beyond the assayed region for this gene and therefore may encompass additional genes. A similar copy number variant has been observed in individual(s) with sudden unexplained death (PMID: 29511324). The current clinical and genetic evidence is not sufficient to establish whether loss-of-function variants in PDLIM3 cause disease. In summary, the available evidence is currently insufficient to determine the role of this variant in disease. Therefore, it has been classified as a Variant of Uncertain Significance.

Literature cited by the submitters: PubMed 29511324.